The following is an entry in ClinVar:

NM_002473.6(MYH9):c.2989C>T (p.Leu997=)

Gene: MYH9 (myosin heavy chain 9; minus strand). Cytogenetic location: 22q12.3.
Variant type: single nucleotide variant.
Coding change: c.2989C>T on transcript NM_002473.6 (MANE Select); coding-DNA position 2989, C replaced by T.
Protein change: p.Leu997=; no amino-acid change (leucine 997 retained).
Molecular consequence: synonymous variant.
Genome position (GRCh38, 1-based): chr22:36,299,030, G>A on the plus strand (C>T on the coding strand, the complement: MYH9 is on the minus strand). VCF-style: chr22-36299030-G-A. GRCh37 (hg19) VCF-style: chr22-36695076-G-A.
Identifiers: ClinVar variation 227605 (VCV000227605.9), dbSNP rs757028068, ClinGen allele CA10209781.

ClinVar aggregate classification (germline): Likely benign. Review status: criteria provided, multiple submitters, no conflicts (2 of 4 stars). 4 submissions from 4 submitters: Likely benign (4). Last evaluated 2023-09-06.

Allele frequency attached by ClinVar (database versions not stated): gnomAD exomes 0.00002; TOPMed below 0.00001; ExAC 0.00001; gnomAD 0.00001.
gnomAD v4.1: 14 of 1,613,974 alleles (0.00087%); highest among the groups gnomAD compares: Middle Eastern, 0.033%; no homozygotes.

Submissions (4):

Blueprint Genetics
Classification: Likely benign. Last evaluated: 2023-09-06. Review status: criteria provided, single submitter. Criteria: ACMG Guidelines, 2015. Collection method: clinical testing. Allele origin: germline.

Labcorp Genetics (formerly Invitae), Labcorp
Classification: Likely benign. Last evaluated: 2023-03-13. Review status: criteria provided, single submitter. Criteria: Invitae Variant Classification Sherloc (09022015). Collection method: clinical testing. Allele origin: germline.

GeneDx
Classification: Likely benign. Last evaluated: 2018-04-18. Review status: criteria provided, single submitter. Criteria: GeneDx Variant Classification (06012015). Collection method: clinical testing. Allele origin: germline. Affected: yes.
Comment: This variant is considered likely benign or benign based on one or more of the following criteria: it is a conservative change, it occurs at a poorly conserved position in the protein, it is predicted to be benign by multiple in silico algorithms, and/or has population frequency not consistent with disease.

Laboratory for Molecular Medicine, Mass General Brigham Personalized Medicine
Classification: Likely benign. Last evaluated: 2015-09-03. Review status: criteria provided, single submitter. Criteria: LMM Criteria. Collection method: clinical testing. Allele origin: germline. Observed: 1 variant allele.
Comment: p.Leu997Leu in exon 24 of MYH9: This variant is not expected to have clinical si gnificance because it does not alter an amino acid residue and is not located wi thin the splice consensus sequence. It has been identified in 1/66726 European c hromosomes by the Exome Aggregation Consortium (ExAC .org).